The following is an entry in ClinVar:

ClinVar aggregate classification (germline): Uncertain significance. Review status: criteria provided, multiple submitters, no conflicts (2 of 4 stars). 2 submissions from 2 submitters: Uncertain significance (2). Last evaluated 2024-12-10.

Submissions (2):

Ambry Genetics
Classification: Uncertain significance. Last evaluated: 2024-12-10. Review status: criteria provided, single submitter. Criteria: Ambry Variant Classification Scheme 2023. Collection method: clinical testing. Allele origin: germline.
Comment: The p.T303R variant (also known as c.908C>G), located in coding exon 7 of the GEN1 gene, results from a C to G substitution at nucleotide position 908. The threonine at codon 303 is replaced by arginine, an amino acid with similar properties. This amino acid position is conserved. In addition, this alteration is predicted to be tolerated by in silico analysis. Based on the available evidence, the clinical significance of this variant remains unclear.

Labcorp Genetics (formerly Invitae), Labcorp
Classification: Uncertain significance. Last evaluated: 2022-11-01. Review status: criteria provided, single submitter. Criteria: Invitae Variant Classification Sherloc (09022015). Collection method: clinical testing. Allele origin: germline.
Comment: This sequence change replaces threonine, which is neutral and polar, with arginine, which is basic and polar, at codon 303 of the GEN1 protein (p.Thr303Arg). In summary, the available evidence is currently insufficient to determine the role of this variant in disease. Therefore, it has been classified as a Variant of Uncertain Significance. Algorithms developed to predict the effect of missense changes on protein structure and function (SIFT, PolyPhen-2, Align-GVGD) all suggest that this variant is likely to be tolerated. This variant has not been reported in the literature in individuals affected with GEN1-related conditions. This variant is not present in population databases (gnomAD no frequency).

NM_001130009.3(GEN1):c.908C>G (p.Thr303Arg)

Gene: GEN1 (GEN1 structure-specific endonuclease; plus strand). Cytogenetic location: 2p24.2.
Variant type: single nucleotide variant.
Coding change: c.908C>G on transcript NM_001130009.3 (MANE Select); coding-DNA position 908, C replaced by G.
Protein change: p.Thr303Arg; replaces threonine 303 with arginine.
Molecular consequence: missense variant.
Genome position (GRCh38, 1-based): chr2:17,772,739, C>G. VCF-style: chr2-17772739-C-G. GRCh37 (hg19) VCF-style: chr2-17954006-C-G.
Other names: c.908C>G (NM_001130009.1); c.908C>G, p.Thr303Arg (NM_182625.5); short protein forms T303R.
Identifiers: ClinVar variation 3021500 (VCV003021500.4), dbSNP rs1672250738, ClinGen allele CA345917352.